The following is an entry in ClinVar:

ClinVar aggregate classification (germline): Uncertain significance. Review status: criteria provided, multiple submitters, no conflicts (2 of 4 stars). 4 submissions from 4 submitters: Uncertain significance (4). Last evaluated 2025-08-20.

Conditions:
Cardiovascular phenotype. Identifiers: MedGen CN230736.
Myofibrillar myopathy 4. Also called: Zaspopathy (type). Identifiers: Orphanet 98912, MedGen C4721886, MONDO:0012277, OMIM 609452.

Allele frequency attached by ClinVar (database versions not stated): TOPMed below 0.00001; gnomAD 0.00001; gnomAD exomes 0.00001.
gnomAD v4.1: 10 of 1,613,476 alleles (0.00062%); highest among the groups gnomAD compares: African/African-American, 0.004%; no homozygotes.

Submissions (4):

Ambry Genetics
Classification: Uncertain significance for Cardiovascular phenotype. Last evaluated: 2025-08-20. Review status: criteria provided, single submitter. Criteria: Ambry Variant Classification Scheme 2023. Collection method: clinical testing. Allele origin: germline.
Comment: The p.A722T variant (also known as c.2164G>A), located in coding exon 13 of the LDB3 gene, results from a G to A substitution at nucleotide position 2164. The alanine at codon 722 is replaced by threonine, an amino acid with similar properties. This amino acid position is highly conserved in available vertebrate species. In addition, the in silico prediction for this alteration is inconclusive. Since supporting evidence is limited at this time, the clinical significance of this alteration remains unclear.

Women's Health and Genetics/Laboratory Corporation of America, LabCorp
Classification: Uncertain significance. Last evaluated: 2025-06-27. Review status: criteria provided, single submitter. Criteria: LabCorp Variant Classification Summary - May 2015. Collection method: clinical testing. Allele origin: germline.
Comment: Variant summary: LDB3 c.2164G>A (p.Ala722Thr) results in a non-conservative amino acid change in the encoded protein sequence. Algorithms developed to predict the effect of missense changes on protein structure and function are either unavailable or do not agree on the potential impact of this missense change. The variant allele was found at a frequency of 8e-06 in 250092 control chromosomes. The available data on variant occurrences in the general population are insufficient to allow any conclusion about variant significance. To our knowledge, no occurrence of c.2164G>A in individuals affected with Hypertrophic Cardiomyopathy and no experimental evidence demonstrating its impact on protein function have been reported. ClinVar contains an entry for this variant (Variation ID: 179788). Based on the evidence outlined above, the variant was classified as uncertain significance.

Labcorp Genetics (formerly Invitae), Labcorp
Classification: Uncertain significance for Myofibrillar myopathy 4. Last evaluated: 2024-07-27. Review status: criteria provided, single submitter. Criteria: Invitae Variant Classification Sherloc (09022015). Collection method: clinical testing. Allele origin: germline.
Comment: The LDB3 gene has multiple clinically relevant transcripts. This variant occurs in alternate transcript NM_007078.3, and corresponds to NM_001080116.1:c.*33582G>A in the primary transcript. This sequence change replaces alanine, which is neutral and non-polar, with threonine, which is neutral and polar, at codon 722 of the LDB3 protein (p.Ala722Thr). This variant is present in population databases (rs727505129, gnomAD 0.007%). This variant has not been reported in the literature in individuals affected with LDB3-related conditions. ClinVar contains an entry for this variant (Variation ID: 179788). Experimental studies and prediction algorithms are not available or were not evaluated, and the functional significance of this variant is currently unknown. In summary, the available evidence is currently insufficient to determine the role of this variant in disease. Therefore, it has been classified as a Variant of Uncertain Significance.

Laboratory for Molecular Medicine, Mass General Brigham Personalized Medicine
Classification: Uncertain significance. Last evaluated: 2014-06-19. Review status: criteria provided, single submitter. Criteria: LMM Criteria. Collection method: clinical testing. Allele origin: germline. Observed: 1 variant allele.
Comment: The Ala722Thr variant in LDB3 has not been previously reported in individuals wi th cardiomyopathy and was absent from large population studies. Computational pr ediction tools and conservation analysis do not provide strong support for or ag ainst an impact to the protein. In summary, the clinical significance of the Ala 722Thr variant is uncertain.

NM_007078.3(LDB3):c.2164G>A (p.Ala722Thr)

Gene: LDB3 (LIM domain binding 3; plus strand). Cytogenetic location: 10q23.2.
Variant type: single nucleotide variant.
Coding change: c.2164G>A on transcript NM_007078.3 (MANE Select); coding-DNA position 2164, G replaced by A.
Protein change: p.Ala722Thr; replaces alanine 722 with threonine.
Molecular consequence: missense variant.
Genome position (GRCh38, 1-based): chr10:86,732,956, G>A. VCF-style: chr10-86732956-G-A. GRCh37 (hg19) VCF-style: chr10-88492713-G-A.
Other names: c.1834G>A, p.Ala612Thr (NM_001080114.2); c.2179G>A, p.Ala727Thr (NM_001171610.2); c.1975G>A, p.Ala659Thr (NM_001368064.1, NM_001368065.1); c.2023G>A, p.Ala675Thr (NM_001368066.1); short protein forms A722T, A675T, A612T, A659T, A727T.
Identifiers: ClinVar variation 179788 (VCV000179788.21), dbSNP rs727505129, ClinGen allele CA185133.